The following is an entry in ClinVar:

NM_001384474.1(LOXHD1):c.1868G>A (p.Arg623Lys)

Gene: LOXHD1 (lipoxygenase homology PLAT domains 1; minus strand). Cytogenetic location: 18q21.1.
Variant type: single nucleotide variant.
Coding change: c.1868G>A on transcript NM_001384474.1 (MANE Select); coding-DNA position 1868, G replaced by A.
Protein change: p.Arg623Lys; replaces arginine 623 with lysine.
Molecular consequence: missense variant.
Genome position (GRCh38, 1-based): chr18:46,577,809, C>T on the plus strand (G>A on the coding strand, the complement: LOXHD1 is on the minus strand). VCF-style: chr18-46577809-C-T. GRCh37 (hg19) VCF-style: chr18-44157772-C-T.
Other names: c.1868G>A, p.Arg623Lys (NM_144612.7); short protein forms R623K.
Identifiers: ClinVar variation 163922 (VCV000163922.14), dbSNP rs373151735, ClinGen allele CA176644.

ClinVar aggregate classification (germline): Uncertain significance. Review status: criteria provided, multiple submitters, no conflicts (2 of 4 stars). 6 submissions from 6 submitters: Uncertain significance (5). 1 of the submissions does not count toward it. Last evaluated 2023-12-09.

Conditions:
Inborn genetic diseases. Identifiers: MedGen C0950123, MeSH D030342.
Autosomal recessive nonsyndromic hearing loss 77. Identifiers: Orphanet 90636, MedGen C2746083, MONDO:0013119, OMIM 613079.

Allele frequency attached by ClinVar (database versions not stated): gnomAD exomes 0.00003 and 0.00009; ExAC 0.00036; gnomAD 0.00038 and 0.00039; 1000 Genomes Project 0.00040; ESP Exome Variant Server 0.00044; 1000 Genomes Project 30x 0.00047; TOPMed 0.00049.
gnomAD v4.1: 102 of 1,551,690 alleles (0.0066%); highest among the groups gnomAD compares: African/African-American, 0.12%; 1 homozygote.

Submissions (6):

Ambry Genetics
Classification: Uncertain significance for Inborn genetic diseases. Last evaluated: 2023-12-09. Review status: criteria provided, single submitter. Criteria: Ambry Variant Classification Scheme 2023. Collection method: clinical testing. Allele origin: germline.

Labcorp Genetics (formerly Invitae), Labcorp
Classification: Uncertain significance. Last evaluated: 2022-07-26. Review status: criteria provided, single submitter. Criteria: Invitae Variant Classification Sherloc (09022015). Collection method: clinical testing. Allele origin: germline.
Comment: This sequence change replaces arginine, which is basic and polar, with lysine, which is basic and polar, at codon 623 of the LOXHD1 protein (p.Arg623Lys). This variant is present in population databases (rs373151735, gnomAD 0.1%). This variant has not been reported in the literature in individuals affected with LOXHD1-related conditions. ClinVar contains an entry for this variant (Variation ID: 163922). Algorithms developed to predict the effect of missense changes on protein structure and function (SIFT, PolyPhen-2, Align-GVGD) all suggest that this variant is likely to be tolerated. In summary, the available evidence is currently insufficient to determine the role of this variant in disease. Therefore, it has been classified as a Variant of Uncertain Significance.

Blueprint Genetics
Classification: Uncertain significance. Last evaluated: 2019-04-30. Review status: criteria provided, single submitter. Criteria: ACMG Guidelines, 2015. Collection method: clinical testing. Allele origin: germline.

Fulgent Genetics
Classification: Uncertain significance for Autosomal recessive nonsyndromic hearing loss 77. Last evaluated: 2018-10-31. Review status: criteria provided, single submitter. Criteria: ACMG Guidelines, 2015. Collection method: clinical testing. Allele origin: unknown.

Laboratory for Molecular Medicine, Mass General Brigham Personalized Medicine
Classification: Uncertain significance. Last evaluated: 2014-04-28. Review status: criteria provided, single submitter. Criteria: LMM Criteria. Collection method: clinical testing. Allele origin: germline. Observed: 2 variant alleles.
Comment: The Arg623Lys variant in LOXHD1 has not been previously reported in individuals with hearing loss, but has been identified in 0.1% (2/1384) of African American chromosomes by the NHLBI Exome Sequencing Project (EVS/; dbSNP rs373151735). Computational prediction tools and conservation analys es suggest that the Arg623Lys variant may not impact the protein, though this in formation is not predictive enough to rule out pathogenicity. In summary, the cl inical significance of the Arg623Lys variant is uncertain.

Natera, Inc.
Classification: Uncertain significance for Autosomal recessive deafness type 77. Last evaluated: 2019-11-11. Review status: no assertion criteria provided. Collection method: clinical testing. Allele origin: germline. Not counted in ClinVar's aggregate classification.